The following is an entry in ClinVar:

NM_021922.3(FANCE):c.22C>T (p.Leu8Phe)

Genes: FANCE (FA complementation group E; plus strand), LOC129996245 (ATAC-STARR-seq lymphoblastoid silent region 17092; plus strand). Cytogenetic location: 6p21.31.
Variant type: single nucleotide variant.
Coding change: c.22C>T on transcript NM_021922.3 (MANE Select); coding-DNA position 22, C replaced by T.
Protein change: p.Leu8Phe; replaces leucine 8 with phenylalanine.
Molecular consequence: missense variant.
Genome position (GRCh38, 1-based): chr6:35,452,567, C>T. VCF-style: chr6-35452567-C-T. GRCh37 (hg19) VCF-style: chr6-35420344-C-T.
Other names: c.22C>T, p.Leu8Phe (NM_001410876.1); short protein forms L8F.
Identifiers: ClinVar variation 2043023 (VCV002043023.4), dbSNP rs1767147451, ClinGen allele CA363769715.

ClinVar aggregate classification (germline): Uncertain significance (1 of 4 stars; one submission).

Conditions:
Fanconi anemia complementation group E (FANCE). Also called: FANCE-Related Fanconi Anemia. Identifiers: Orphanet 84, MedGen C3160739, MONDO:0010953, OMIM 600901.

Allele frequency attached by ClinVar (database versions not stated): TOPMed below 0.00001.

Submission:

Labcorp Genetics (formerly Invitae), Labcorp
Classification: Uncertain significance for Fanconi anemia complementation group E. Last evaluated: 2024-08-19. Review status: criteria provided, single submitter. Criteria: Invitae Variant Classification Sherloc (09022015). Collection method: clinical testing. Allele origin: germline.
Comment: This sequence change replaces leucine, which is neutral and non-polar, with phenylalanine, which is neutral and non-polar, at codon 8 of the FANCE protein (p.Leu8Phe). This variant is not present in population databases (gnomAD no frequency). This variant has not been reported in the literature in individuals affected with FANCE-related conditions. ClinVar contains an entry for this variant (Variation ID: 2043023). An algorithm developed to predict the effect of missense changes on protein structure and function (PolyPhen-2) suggests that this variant is likely to be tolerated. In summary, the available evidence is currently insufficient to determine the role of this variant in disease. Therefore, it has been classified as a Variant of Uncertain Significance.